The following is an entry in ClinVar:

NM_000503.6(EYA1):c.1402A>G (p.Arg468Gly)

Gene: EYA1 (EYA transcriptional coactivator and phosphatase 1; minus strand). Cytogenetic location: 8q13.3.
Variant type: single nucleotide variant.
Coding change: c.1402A>G on transcript NM_000503.6 (MANE Select); coding-DNA position 1402, A replaced by G.
Protein change: p.Arg468Gly; replaces arginine 468 with glycine.
Molecular consequence: missense variant.
Genome position (GRCh38, 1-based): chr8:71,215,687, T>C on the plus strand (A>G on the coding strand, the complement: EYA1 is on the minus strand). VCF-style: chr8-71215687-T-C. GRCh37 (hg19) VCF-style: chr8-72127922-T-C.
Other names: c.1384A>G, p.Arg462Gly (NM_001288574.2, NM_172059.5); c.1036A>G, p.Arg346Gly (NM_001288575.2); c.1489A>G, p.Arg497Gly (NM_001370333.1); c.1402A>G, p.Arg468Gly (NM_001370334.1, NM_001370335.1, NM_172058.4); c.1381A>G, p.Arg461Gly (NM_001370336.1); short protein forms R468G, R497G, R462G, R346G, R461G.
Identifiers: ClinVar variation 163429 (VCV000163429.4), dbSNP rs727503044, ClinGen allele CA176070.

ClinVar aggregate classification (germline): Uncertain significance (1 of 4 stars; one submission).

Submission:

Laboratory for Molecular Medicine, Mass General Brigham Personalized Medicine
Classification: Uncertain significance. Last evaluated: 2013-10-16. Review status: criteria provided, single submitter. Criteria: LMM Criteria. Collection method: clinical testing. Allele origin: germline. Observed: 1 variant allele.
Comment: The Arg468Gly variant in EYA1 has not been reported in individuals with hearing loss or in large population studies. Computational analyses (biochemical amino a cid properties, conservation, AlignGVGD, PolyPhen2, and SIFT) do not provide str ong support for or against an impact to the protein. Additional information is n eeded to fully assess the clinical significance of the Arg468Gly variant.